The following is an entry in ClinVar:

NM_024301.5(FKRP):c.-39-2934_564del

Gene: FKRP (fukutin related protein; plus strand). Cytogenetic location: 19q13.32.
Variant type: Deletion.
Coding change: c.-39-2934_564del on transcript NM_024301.5 (MANE Select); 2934 bases into the intron before 39 bases upstream of the start codon through coding-DNA position 564, 3,537 bases deleted.
Molecular consequence: splice acceptor variant, initiator codon variant.
Genome position (GRCh38, 1-based): chr19:46,752,478-46,756,014, 3,537 bases deleted. GRCh37 (hg19): chr19:47,255,735-47,259,271.
Other names: c.-39-2934_564del (NM_001039885.3).
Identifiers: ClinVar variation 408658 (VCV000408658.2), ClinGen allele CA16616280.

ClinVar aggregate classification (germline): Pathogenic (1 of 4 stars; one submission).

Conditions:
Walker-Warburg congenital muscular dystrophy. Also called: Muscular dystrophy-dystroglycanopathy, type A; Walker-Warburg syndrome. Identifiers: Orphanet 899, MedGen C0265221, MONDO:0000171.

Submission:

Labcorp Genetics (formerly Invitae), Labcorp
Classification: Pathogenic for Walker-Warburg congenital muscular dystrophy. Last evaluated: 2016-05-04. Review status: criteria provided, single submitter. Criteria: Invitae Variant Classification Sherloc (09022015). Collection method: clinical testing. Allele origin: germline.
Comment: This variant is a gross deletion of the genomic region encompassing at least a portion of the gene up to and including part of exon 4 of the FKRP gene, which includes the initiator codon. The 3' boundary is confined to nucleotide 564 of the FKRP gene. This is expected to lead to an absent or truncated protein. While this particular variant has not been reported in the literature, truncating variants in FKRP are known to be pathogenic (PMID: 12707425). For these reasons, this variant has been classified as Pathogenic.